The following is an entry in ClinVar:

NM_001005242.3(PKP2):c.1170+3G>C

Gene: PKP2 (plakophilin 2; minus strand). Cytogenetic location: 12p11.21.
Variant type: single nucleotide variant.
Coding change: c.1170+3G>C on transcript NM_001005242.3 (MANE Select); 3 bases into the intron after coding-DNA position 1170, G replaced by C.
Molecular consequence: intron variant.
Genome position (GRCh38, 1-based): chr12:32,868,924, C>G on the plus strand (G>C on the coding strand, the complement: PKP2 is on the minus strand). VCF-style: chr12-32868924-C-G. GRCh37 (hg19) VCF-style: chr12-33021858-C-G.
Other names: c.1170+3G>C (NM_004572.4).
Identifiers: ClinVar variation 2121788 (VCV002121788.4), dbSNP rs1956872807, ClinGen allele CA2580085389.

ClinVar aggregate classification (germline): Uncertain significance (1 of 4 stars; one submission).

Conditions:
Arrhythmogenic right ventricular dysplasia 9 (ARVD9). Also called: Arrhythmogenic Right Ventricular Dysplasia/Cardiomyopathy 9; ARRHYTHMOGENIC RIGHT VENTRICULAR DYSPLASIA, FAMILIAL, 9. Identifiers: MedGen C1836906, MONDO:0012180, OMIM 609040.

Submission:

Labcorp Genetics (formerly Invitae), Labcorp
Classification: Uncertain significance for Arrhythmogenic right ventricular dysplasia 9. Last evaluated: 2022-04-05. Review status: criteria provided, single submitter. Criteria: Invitae Variant Classification Sherloc (09022015). Collection method: clinical testing. Allele origin: germline.
Comment: In summary, the available evidence is currently insufficient to determine the role of this variant in disease. Therefore, it has been classified as a Variant of Uncertain Significance. Variants that disrupt the consensus splice site are a relatively common cause of aberrant splicing (PMID: 17576681, 9536098). Algorithms developed to predict the effect of sequence changes on RNA splicing suggest that this variant is not likely to affect RNA splicing. This variant has not been reported in the literature in individuals affected with PKP2-related conditions. This variant is not present in population databases (gnomAD no frequency). This sequence change falls in intron 4 of the PKP2 gene. It does not directly change the encoded amino acid sequence of the PKP2 protein. It affects a nucleotide within the consensus splice site.

Literature cited by the submitters: PubMed 17576681; PubMed 9536098.